The following is an entry in ClinVar:

ClinVar aggregate classification (germline): Uncertain significance (1 of 4 stars; one submission).

Allele frequency attached by ClinVar (database versions not stated): gnomAD exomes below 0.00001.

Submission:

Labcorp Genetics (formerly Invitae), Labcorp
Classification: Uncertain significance. Last evaluated: 2021-02-22. Review status: criteria provided, single submitter. Criteria: Invitae Variant Classification Sherloc (09022015). Collection method: clinical testing. Allele origin: germline.
Comment: This variant has not been reported in the literature in individuals with CYP4V2-related conditions. In summary, the available evidence is currently insufficient to determine the role of this variant in disease. Therefore, it has been classified as a Variant of Uncertain Significance. Advanced modeling of protein sequence and biophysical properties (such as structural, functional, and spatial information, amino acid conservation, physicochemical variation, residue mobility, and thermodynamic stability) performed at Invitae indicates that this missense variant is not expected to disrupt CYP4V2 protein function. This variant is not present in population databases (ExAC no frequency). This sequence change replaces threonine with isoleucine at codon 263 of the CYP4V2 protein (p.Thr263Ile). The threonine residue is weakly conserved and there is a moderate physicochemical difference between threonine and isoleucine.

NM_207352.4(CYP4V2):c.788C>T (p.Thr263Ile)

Gene: CYP4V2 (cytochrome P450 family 4 subfamily V member 2; plus strand). Cytogenetic location: 4q35.1.
Variant type: single nucleotide variant.
Coding change: c.788C>T on transcript NM_207352.4 (MANE Select); coding-DNA position 788, C replaced by T.
Protein change: p.Thr263Ile; replaces threonine 263 with isoleucine.
Molecular consequence: missense variant.
Genome position (GRCh38, 1-based): chr4:186,199,070, C>T. VCF-style: chr4-186199070-C-T. GRCh37 (hg19) VCF-style: chr4-187120224-C-T.
Other names: short protein forms T263I.
Identifiers: ClinVar variation 1512857 (VCV001512857.8), dbSNP rs2126587312, ClinGen allele CA358948129.